The following is an entry in ClinVar:

NM_000337.6(SGCD):c.123C>G (p.Leu41=)

Gene: SGCD (sarcoglycan delta; plus strand). Cytogenetic location: 5q33.3.
Variant type: single nucleotide variant.
Coding change: c.123C>G on transcript NM_000337.6 (MANE Select); coding-DNA position 123, C replaced by G.
Protein change: p.Leu41=; no amino-acid change (leucine 41 retained).
Molecular consequence: synonymous variant.
Genome position (GRCh38, 1-based): chr5:156,344,608, C>G. VCF-style: chr5-156344608-C-G. GRCh37 (hg19) VCF-style: chr5-155771618-C-G.
Other names: c.120C>G, p.Leu40= (NM_001128209.2); c.123C>G, p.Leu41= (NM_172244.3).
Identifiers: ClinVar variation 48115 (VCV000048115.35), dbSNP rs200670993, ClinGen allele CA142617.

ClinVar aggregate classification (germline): Conflicting classifications of pathogenicity. Review status: criteria provided, conflicting classifications (1 of 4 stars). 11 submissions from 11 submitters: Uncertain significance (2); Benign (1); Likely benign (5). 3 of the submissions do not count toward it. Last evaluated 2026-02-03.

Conditions:
Inborn genetic diseases. Identifiers: MedGen C0950123, MeSH D030342.
Qualitative or quantitative defects of delta-sarcoglycan. Identifiers: Orphanet 207070, MedGen C5680806, MONDO:0016144.
Autosomal recessive limb-girdle muscular dystrophy type 2F (LGMDR6). Also called: Muscular dystrophy limb-girdle with delta-sarcoglyan deficiency; MUSCULAR DYSTROPHY, LIMB-GIRDLE, AUTOSOMAL RECESSIVE 6. Identifiers: Orphanet 219, MedGen C1832525, MONDO:0011028, OMIM 601287. Disease mechanism: Affects gamma-sarcoglycan and also disrupts the integrity of the entire sarcoglycan complex..

Allele frequency attached by ClinVar (database versions not stated): gnomAD exomes 0.00009 and 0.00015; 1000 Genomes Project 30x 0.00016; 1000 Genomes Project 0.00020; ESP Exome Variant Server 0.00049; TOPMed 0.00066.
gnomAD v4.1: 219 of 1,612,076 alleles (0.014%); highest among the groups gnomAD compares: African/African-American, 0.2%; no homozygotes.

Submissions (12):

Labcorp Genetics (formerly Invitae), Labcorp
Classification: Likely benign for Autosomal recessive limb-girdle muscular dystrophy type 2F. Last evaluated: 2026-02-03. Review status: criteria provided, single submitter. Criteria: Invitae Variant Classification Sherloc (09022015). Collection method: clinical testing. Allele origin: germline.

Women's Health and Genetics/Laboratory Corporation of America, LabCorp
Classification: Likely benign. Last evaluated: 2026-01-16. Review status: criteria provided, single submitter. Criteria: LabCorp Variant Classification Summary - May 2015. Collection method: clinical testing. Allele origin: germline.
Comment: Variant summary: SGCD c.123C>G alters a conserved nucleotide resulting in a synonymous change. Consensus agreement among computation tools predict no significant impact on normal splicing. However, these predictions have yet to be confirmed by functional studies. The variant allele was found at a frequency of 0.00015 in 247232 control chromosomes. This frequency is not significantly higher than estimated for disease-causing variants in SGCD, allowing no conclusion about variant significance. To our knowledge, no occurrence of c.123C>G in individuals affected with SGCD-related conditions and no experimental evidence demonstrating its impact on protein function have been reported. ClinVar contains an entry for this variant (Variation ID: 48115). Based on the evidence outlined above, the variant was classified as likely benign.

Ambry Genetics
Classification: Likely benign for Inborn genetic diseases. Last evaluated: 2022-06-06. Review status: criteria provided, single submitter. Criteria: Ambry Variant Classification Scheme 2023. Collection method: clinical testing. Allele origin: germline.

Athena Diagnostics
Classification: Likely benign. Last evaluated: 2021-01-13. Review status: criteria provided, single submitter. Criteria: Athena Diagnostics criteria. Collection method: clinical testing. Allele origin: unknown.

Illumina Laboratory Services, Illumina
Classification: Uncertain significance for Qualitative or quantitative defects of delta-sarcoglycan. Last evaluated: 2018-01-13. Review status: criteria provided, single submitter. Criteria: ICSL Variant Classification Criteria 13 December 2019. Collection method: clinical testing. Allele origin: germline.

Eurofins Ntd Llc (ga)
Classification: Uncertain significance. Last evaluated: 2015-09-03. Review status: criteria provided, single submitter. Criteria: EGL Classification Definitions 2015. Collection method: clinical testing. Allele origin: germline. Observed: 2 variant alleles, 2 heterozygotes.

GeneDx
Classification: Benign. Last evaluated: 2015-03-03. Review status: criteria provided, single submitter. Criteria: GeneDx Variant Classification Process June 2021. Collection method: clinical testing. Allele origin: germline. Affected: yes.

Laboratory for Molecular Medicine, Mass General Brigham Personalized Medicine
Classification: Likely benign. Last evaluated: 2012-04-11. Review status: criteria provided, single submitter. Criteria: LMM Criteria. Collection method: clinical testing. Allele origin: germline. Observed: 5 variant alleles.
Comment: Leu41Leu in Exon 03 of SGCD: This variant is not expected to have clinical signi ficance because it does not alter an amino acid residue, is not located within t he splice consensus sequence. It has been identified in 0.2% (5/3202) of African American chromosomes from a broad population by the NHLBI Exome Sequencing Proj ect. Leu41Leu in Exon 03 of SGCD (allele fr equency = 0.2%, 5/3202) **

Clinical Genetics DNA and cytogenetics Diagnostics Lab, Erasmus MC, Erasmus Medical Center
Classification: Likely benign. Review status: no assertion criteria provided. Collection method: clinical testing. Allele origin: germline. Affected: yes. Study: VKGL Data-share Consensus. Not counted in ClinVar's aggregate classification.

Diagnostic Laboratory, Department of Genetics, University Medical Center Groningen
Classification: Likely benign. Review status: no assertion criteria provided. Collection method: clinical testing. Allele origin: germline. Affected: yes. Study: VKGL Data-share Consensus. Not counted in ClinVar's aggregate classification.

Dr. Peter K. Rogan Lab, Western University
No classification provided (evidence only). Condition: Familial cancer of breast. Review status: no classification provided. Collection method: in vitro. Allele origin: not applicable. Functional consequence: retained intron. Not counted in ClinVar's aggregate classification.

Laboratory of Diagnostic Genome Analysis, Leiden University Medical Center (LUMC)
Classification: Likely benign. Review status: no assertion criteria provided. Collection method: clinical testing. Allele origin: germline. Affected: yes. Study: VKGL Data-share Consensus. Not counted in ClinVar's aggregate classification.